The following is an entry in ClinVar:

NM_145868.2(ANXA11):c.976A>G (p.Ile326Val)

Gene: ANXA11 (annexin A11; minus strand). Cytogenetic location: 10q22.3.
Variant type: single nucleotide variant.
Coding change: c.976A>G on transcript NM_145868.2 (MANE Select); coding-DNA position 976, A replaced by G.
Protein change: p.Ile326Val; replaces isoleucine 326 with valine.
Molecular consequence: missense variant.
Genome position (GRCh38, 1-based): chr10:80,163,587, T>C on the plus strand (A>G on the coding strand, the complement: ANXA11 is on the minus strand). VCF-style: chr10-80163587-T-C. GRCh37 (hg19) VCF-style: chr10-81923343-T-C.
Other names: c.976A>G, p.Ile326Val (NM_001157.3, NM_001278407.2, NM_001278408.2 and 1 more transcripts); c.877A>G, p.Ile293Val (NM_001278409.2); short protein forms I293V, I326V.
Identifiers: ClinVar variation 3675245 (VCV003675245.2).
Genomic context (GRCh38, chr10:80,163,587, plus strand): 5'-AAAGTACCTGAGAGAGAGAGATGAGGAGCCGCTGGAAGTGCCCTGATGTGTCGCTTCGAA[T>C]GGCCTCTTCCAGGGTCTTTTTGAATTCTGAAAGGGAGAAGCAAGGAAGGTCCATCCTGTA-3'
Protein context (NP_665875.1, residues 316-336): AEFKKTLEEA[Ile326Val]RSDTSGHFQR

ClinVar aggregate classification (germline): Uncertain significance (1 of 4 stars; one submission).

gnomAD v4.1: 3 of 1,562,122 alleles (0.00019%); highest among the groups gnomAD compares: African/African-American, 0.0041%; no homozygotes.

Submission:

Labcorp Genetics (formerly Invitae), Labcorp
Classification: Uncertain significance. Last evaluated: 2024-06-14. Review status: criteria provided, single submitter. Criteria: Invitae Variant Classification Sherloc (09022015). Collection method: clinical testing. Allele origin: germline.
Comment: This sequence change replaces isoleucine, which is neutral and non-polar, with valine, which is neutral and non-polar, at codon 326 of the ANXA11 protein (p.Ile326Val). The frequency data for this variant in the population databases is considered unreliable, as metrics indicate poor data quality at this position in the gnomAD database. This variant has not been reported in the literature in individuals affected with ANXA11-related conditions. An algorithm developed to predict the effect of missense changes on protein structure and function (PolyPhen-2) suggests that this variant is likely to be disruptive. In summary, the available evidence is currently insufficient to determine the role of this variant in disease. Therefore, it has been classified as a Variant of Uncertain Significance.